The following is an entry in ClinVar:

NM_001365480.1(CCDC88A):c.5239C>T (p.Arg1747Trp)

Gene: CCDC88A (coiled-coil and HOOK domain protein 88A; minus strand). Cytogenetic location: 2p16.1.
Variant type: single nucleotide variant.
Coding change: c.5239C>T on transcript NM_001365480.1 (MANE Select); coding-DNA position 5239, C replaced by T.
Protein change: p.Arg1747Trp; replaces arginine 1747 with tryptophan.
Molecular consequence: missense variant. On other transcripts: intron variant (1).
Genome position (GRCh38, 1-based): chr2:55,295,909, G>A on the plus strand (C>T on the coding strand, the complement: CCDC88A is on the minus strand). VCF-style: chr2-55295909-G-A. GRCh37 (hg19) VCF-style: chr2-55523045-G-A.
Other names: c.5236C>T (NM_001135597.1); c.5236C>T, p.Arg1746Trp (NM_001135597.2); c.5155C>T, p.Arg1719Trp (NM_018084.5); c.5195+41C>T (NM_001254943.2); short protein forms R1747W, R1719W, R1746W.
Identifiers: ClinVar variation 1897599 (VCV001897599.3), dbSNP rs371735739, ClinGen allele CA1665364.

ClinVar aggregate classification (germline): Conflicting classifications of pathogenicity. Review status: criteria provided, conflicting classifications (1 of 4 stars). 2 submissions from 2 submitters: Uncertain significance (1); Likely benign (1). Last evaluated 2025-08-28.

Allele frequency attached by ClinVar (database versions not stated): ExAC 0.00001; gnomAD exomes 0.00001; gnomAD 0.00005; TOPMed 0.00005; ESP Exome Variant Server 0.00015.
gnomAD v4.1: 30 of 1,613,892 alleles (0.0019%); highest among the groups gnomAD compares: African/African-American, 0.016%; no homozygotes.

Submissions (2):

Ambry Genetics
Classification: Likely benign. Last evaluated: 2025-08-28. Review status: criteria provided, single submitter. Criteria: Ambry Variant Classification Scheme 2023. Collection method: clinical testing. Allele origin: germline.

Labcorp Genetics (formerly Invitae), Labcorp
Classification: Uncertain significance. Last evaluated: 2022-06-15. Review status: criteria provided, single submitter. Criteria: Invitae Variant Classification Sherloc (09022015). Collection method: clinical testing. Allele origin: germline.
Comment: This sequence change replaces arginine, which is basic and polar, with tryptophan, which is neutral and slightly polar, at codon 1746 of the CCDC88A protein (p.Arg1746Trp). This variant is present in population databases (rs371735739, gnomAD 0.02%). This variant has not been reported in the literature in individuals affected with CCDC88A-related conditions. Algorithms developed to predict the effect of missense changes on protein structure and function output the following: SIFT: "Deleterious"; PolyPhen-2: "Benign"; Align-GVGD: "Class C0". The tryptophan amino acid residue is found in multiple mammalian species, which suggests that this missense change does not adversely affect protein function. In summary, the available evidence is currently insufficient to determine the role of this variant in disease. Therefore, it has been classified as a Variant of Uncertain Significance.